The following is an entry in ClinVar:

ClinVar aggregate classification (germline): Uncertain significance (1 of 4 stars; one submission).

Conditions:
Fanconi anemia complementation group J. Also called: BRIP1-Related Fanconi Anemia. Identifiers: Orphanet 84, MedGen C1836860, MONDO:0012187, OMIM 609054.
Familial cancer of breast. Also called: BREAST CANCER, FAMILIAL; Hereditary breast cancer; hereditary breast carcinoma. Identifiers: Orphanet 227535, MedGen C0346153, MONDO:0016419, OMIM 114480. Disease mechanism: loss of function.

Submission:

Labcorp Genetics (formerly Invitae), Labcorp
Classification: Uncertain significance for Familial cancer of breast; Fanconi anemia complementation group J. Last evaluated: 2023-04-25. Review status: criteria provided, single submitter. Criteria: Invitae Variant Classification Sherloc (09022015). Collection method: clinical testing. Allele origin: germline.
Comment: ClinVar contains an entry for this variant (Variation ID: 1494254). This variant has not been reported in the literature in individuals affected with BRIP1-related conditions. This sequence change replaces lysine, which is basic and polar, with threonine, which is neutral and polar, at codon 79 of the BRIP1 protein (p.Lys79Thr). This variant is not present in population databases (gnomAD no frequency). In summary, the available evidence is currently insufficient to determine the role of this variant in disease. Therefore, it has been classified as a Variant of Uncertain Significance. Advanced modeling of protein sequence and biophysical properties (such as structural, functional, and spatial information, amino acid conservation, physicochemical variation, residue mobility, and thermodynamic stability) performed at Invitae indicates that this missense variant is not expected to disrupt BRIP1 protein function.

NM_032043.3(BRIP1):c.236A>C (p.Lys79Thr)

Gene: BRIP1 (BRCA1 interacting DNA helicase 1; minus strand). Cytogenetic location: 17q23.2.
Variant type: single nucleotide variant.
Coding change: c.236A>C on transcript NM_032043.3 (MANE Select); coding-DNA position 236, A replaced by C.
Protein change: p.Lys79Thr; replaces lysine 79 with threonine.
Molecular consequence: missense variant.
Genome position (GRCh38, 1-based): chr17:61,857,201, T>G on the plus strand (A>C on the coding strand, the complement: BRIP1 is on the minus strand). VCF-style: chr17-61857201-T-G. GRCh37 (hg19) VCF-style: chr17-59934562-T-G.
Other names: short protein forms K79T.
Identifiers: ClinVar variation 1494254 (VCV001494254.9), dbSNP rs2145830866, ClinGen allele CA400485564.